The following is an entry in ClinVar:

NM_000094.4(COL7A1):c.7369_7372del (p.Lys2457fs)

Gene: COL7A1 (collagen type VII alpha 1 chain; minus strand). Cytogenetic location: 3p21.31.
Variant type: Deletion.
Coding change: c.7369_7372del on transcript NM_000094.4 (MANE Select); coding-DNA positions 7369 to 7372, 4 bases deleted (AAAG; older notation c.7369_7372delAAAG).
Protein change: p.Lys2457fs; shifts the reading frame from lysine 2457.
Molecular consequence: frameshift variant.
Genome position (GRCh38, 1-based): chr3:48,570,473-48,570,476, CTTT deleted on the plus strand (AAAG on the coding strand, the reverse complement: COL7A1 is on the minus strand). VCF-style (leftmost placement, unchanged base first): chr3-48570472-CCTTT-C. GRCh37 (hg19) VCF-style: chr3-48607905-CCTTT-C.
Other names: short protein forms K2457fs.
Identifiers: ClinVar variation 5015416 (VCV005015416.1).

ClinVar aggregate classification (germline): Pathogenic (1 of 4 stars; one submission).

Conditions:
Recessive dystrophic epidermolysis bullosa (RDEB). Also called: DYSTROPHIC EPIDERMOLYSIS BULLOSA, AUTOSOMAL RECESSIVE; EPIDERMOLYSIS BULLOSA DYSTROPHICA, HALLOPEAU-SIEMENS TYPE; Hallopeau-Siemens Disease; severe generalized recessive dystrophic epidermolysis bullosa; EPIDERMOLYSIS BULLOSA DYSTROPHICA, GENERALIZED SEVERE, AUTOSOMAL RECESSIVE; Epidermolysis Bullosa Distrophica Autosomal Recessive (RDEB). Identifiers: Orphanet 79408, Orphanet 79409, MedGen C0079474, MONDO:0009179, OMIM 226600.

Submission:

Myriad Genetics, Inc.
Classification: Pathogenic for Recessive dystrophic epidermolysis bullosa. Last evaluated: 2026-01-15. Review status: criteria provided, single submitter. Criteria: Myriad Autosomal Dominant, Autosomal Recessive and X-Linked Classification Criteria (2023). Collection method: clinical testing. Allele origin: unknown.
Comment: NM_000094.3(COL7A1):c.7369_7372delAAAG(K2457Efs*8) is expected to be pathogenic in the context of dystrophic epidermolysis bullosa. This variant is predicted to lead to an abnormal or absent protein product due to the creation of a premature termination codon in COL7A1, a gene where loss-of-function variants are known to be pathogenic. Please note: this variant was assessed in the context of healthy population screening.